The following is an entry in ClinVar:

ClinVar aggregate classification (germline): Uncertain significance (0 of 4 stars; one submission).

Conditions:
DST-related disorder. Also called: DST-related condition; DST-related disorders.

gnomAD v4.1: 4 of 1,568,038 alleles (0.00026%); highest among the groups gnomAD compares: African/African-American, 0.0027%; no homozygotes.

Submission:

PreventionGenetics, part of Exact Sciences
Classification: Uncertain significance for DST-related condition. Last evaluated: 2023-10-20. Review status: no assertion criteria provided. Collection method: clinical testing. Allele origin: germline.
Comment: The DST c.5144A>G variant is predicted to result in the amino acid substitution p.Gln1715Arg. In an alternate transcript (NM_001723.5), this variant is found within a non-coding region (c.*5050A>G). To our knowledge, this variant has not been reported in the literature. This variant is reported in 0.0087% of alleles in individuals of African descent in gnomAD. At this time, the clinical significance of this variant is uncertain due to the absence of conclusive functional and genetic evidence.

NM_001374736.1(DST):c.5243A>G (p.Gln1748Arg)

Gene: DST (dystonin; minus strand). Cytogenetic location: 6p12.1.
Variant type: single nucleotide variant.
Coding change: c.5243A>G on transcript NM_001374736.1 (MANE Select); coding-DNA position 5243, A replaced by G.
Protein change: p.Gln1748Arg; replaces glutamine 1748 with arginine.
Molecular consequence: missense variant.
Genome position (GRCh38, 1-based): chr6:56,610,467, T>C on the plus strand (A>G on the coding strand, the complement: DST is on the minus strand). VCF-style: chr6-56610467-T-C. GRCh37 (hg19) VCF-style: chr6-56475265-T-C.
Other names: c.5144A>G, p.Gln1715Arg (NM_001144769.5); c.4730A>G, p.Gln1577Arg (NM_001144770.2); c.5243A>G, p.Gln1748Arg (NM_001374722.1); c.4610A>G, p.Gln1537Arg (NM_001374729.1, NM_001374730.1, NM_001386100.1 and 1 more transcripts); c.5270A>G, p.Gln1757Arg (NM_001374734.1); c.3632A>G, p.Gln1211Arg (NM_015548.5); short protein forms Q1211R, Q1537R, Q1577R, Q1715R, Q1748R, Q1757R.
Identifiers: ClinVar variation 3031657 (VCV003031657.2), dbSNP rs61263396, ClinGen allele CA3869768.
Genomic context (GRCh38, chr6:56,610,467, plus strand): 5'-GTTTAAATAAATAATATTACCTTCTCCTCTACCTTTACATCTCCTGAGGTTTGTGATTCT[T>C]GTAGCTGTTTCAGAGATTCACTGAATAATAAATTATAACTTTCCTGAAGAGTTTTCACTT-3'
Protein context (NP_001361665.1, residues 1738-1758): LLFSESLKQL[Gln1748Arg]ESQTSGDVKV